The following is an entry in ClinVar:

ClinVar aggregate classification (germline): Uncertain significance (1 of 4 stars; one submission).

Allele frequency attached by ClinVar (database versions not stated): gnomAD exomes 0.00002 and 0.00006; ExAC 0.00003; gnomAD 0.00003; TOPMed 0.00005; ESP Exome Variant Server 0.00015.
gnomAD v4.1: 86 of 1,613,724 alleles (0.0053%); highest among the groups gnomAD compares: Non-Finnish European, 0.007%; 1 homozygote.

Submission:

GeneDx
Classification: Uncertain significance. Last evaluated: 2020-01-22. Review status: criteria provided, single submitter. Criteria: GeneDx Variant Classification Process June 2021. Collection method: clinical testing. Allele origin: germline. Affected: yes.
Comment: In silico analysis, which includes protein predictors and evolutionary conservation, supports that this variant does not alter protein structure/function; Identified in a patient with Parkinson disease and a patient with Alzheimer disease in published literature, but it is unknown whether these individual was screened for variants in other genes associated with these diseases (Jansen et al., 2015; Liu et al., 2018); This variant is associated with the following publications: (PMID: 26067110, 29749507)

NM_016139.4(CHCHD2):c.238A>G (p.Ile80Val)

Gene: CHCHD2 (coiled-coil-helix-coiled-coil-helix domain containing 2; minus strand). Cytogenetic location: 7p11.2.
Variant type: single nucleotide variant.
Coding change: c.238A>G on transcript NM_016139.4 (MANE Select); coding-DNA position 238, A replaced by G.
Protein change: p.Ile80Val; replaces isoleucine 80 with valine.
Molecular consequence: missense variant.
Genome position (GRCh38, 1-based): chr7:56,104,288, T>C on the plus strand (A>G on the coding strand, the complement: CHCHD2 is on the minus strand). VCF-style: chr7-56104288-T-C. GRCh37 (hg19) VCF-style: chr7-56171981-T-C.
Other names: c.238A>G, p.Ile80Val (NM_001320327.2); short protein forms I80V.
Identifiers: ClinVar variation 1303535 (VCV001303535.2), dbSNP rs149119842, ClinGen allele CA4270552.